The following is an entry in ClinVar:

ClinVar aggregate classification (germline): Uncertain significance. Review status: criteria provided, multiple submitters, no conflicts (2 of 4 stars). 2 submissions from 2 submitters: Uncertain significance (2). Last evaluated 2025-01-09.

Conditions:
Cardiovascular phenotype. Identifiers: MedGen CN230736.
RASopathy. Also called: rasopathies; Noonan spectrum disorder. Identifiers: Orphanet 536391, MedGen C5555857, MONDO:0021060.

Allele frequency attached by ClinVar (database versions not stated): TOPMed below 0.00001; gnomAD 0.00001.
gnomAD v4.1: 3 of 1,614,032 alleles (0.00019%); highest among the groups gnomAD compares: African/African-American, 0.0013%; no homozygotes.

Submissions (2):

Ambry Genetics
Classification: Uncertain significance for Cardiovascular phenotype. Last evaluated: 2025-01-09. Review status: criteria provided, single submitter. Criteria: Ambry Variant Classification Scheme 2023. Collection method: clinical testing. Allele origin: germline.
Comment: The p.P820A variant (also known as c.2458C>G), located in coding exon 16 of the CBL gene, results from a C to G substitution at nucleotide position 2458. The proline at codon 820 is replaced by alanine, an amino acid with highly similar properties. This amino acid position is conserved. In addition, the in silico prediction for this alteration is inconclusive. Based on the available evidence, the clinical significance of this variant remains unclear.

Labcorp Genetics (formerly Invitae), Labcorp
Classification: Uncertain significance for RASopathy. Last evaluated: 2018-06-07. Review status: criteria provided, single submitter. Criteria: Invitae Variant Classification Sherloc (09022015). Collection method: clinical testing. Allele origin: germline.
Comment: In summary, the available evidence is currently insufficient to determine the role of this variant in disease. Therefore, it has been classified as a Variant of Uncertain Significance. This sequence change replaces proline with alanine at codon 820 of the CBL protein (p.Pro820Ala). The proline residue is highly conserved and there is a small physicochemical difference between proline and alanine. This variant is not present in population databases (ExAC no frequency). This variant has not been reported in the literature in individuals with CBL-related disease. Algorithms developed to predict the effect of missense changes on protein structure and function are either unavailable or do not agree on the potential impact of this missense change (SIFT: "Tolerated"; PolyPhen-2: "Possibly Damaging"; Align-GVGD: "Class C0").

NM_005188.4(CBL):c.2458C>G (p.Pro820Ala)

Gene: CBL (Cbl proto-oncogene; plus strand). Cytogenetic location: 11q23.3.
Variant type: single nucleotide variant.
Coding change: c.2458C>G on transcript NM_005188.4 (MANE Select); coding-DNA position 2458, C replaced by G.
Protein change: p.Pro820Ala; replaces proline 820 with alanine.
Molecular consequence: missense variant.
Genome position (GRCh38, 1-based): chr11:119,299,518, C>G. VCF-style: chr11-119299518-C-G. GRCh37 (hg19) VCF-style: chr11-119170228-C-G.
Other names: c.2458C>G (NM_005188.2); short protein forms P820A.
Identifiers: ClinVar variation 578070 (VCV000578070.9), dbSNP rs1356499832, ClinGen allele CA382931913.